The following is an entry in ClinVar:

ClinVar aggregate classification (germline): Uncertain significance (1 of 4 stars; one submission).

Allele frequency attached by ClinVar (database versions not stated): gnomAD 0.00003; 1000 Genomes Project 0.00020; TOPMed 0.00004; 1000 Genomes Project 30x 0.00016; ExAC 0.00007.
gnomAD v4.1: 82 of 1,614,190 alleles (0.0051%); highest among the groups gnomAD compares: Middle Eastern, 0.082%; no homozygotes.

Submission:

Labcorp Genetics (formerly Invitae), Labcorp
Classification: Uncertain significance. Last evaluated: 2025-03-31. Review status: criteria provided, single submitter. Criteria: Invitae Variant Classification Sherloc (09022015). Collection method: clinical testing. Allele origin: germline.
Comment: This sequence change replaces phenylalanine, which is neutral and non-polar, with leucine, which is neutral and non-polar, at codon 55 of the LIPC protein (p.Phe55Leu). This variant is present in population databases (rs568178076, gnomAD 0.009%). This missense change has been observed in individual(s) with dyslipidemia (PMID: 36325899). ClinVar contains an entry for this variant (Variation ID: 2895864). Invitae Evidence Modeling of protein sequence and biophysical properties (such as structural, functional, and spatial information, amino acid conservation, physicochemical variation, residue mobility, and thermodynamic stability) indicates that this missense variant is not expected to disrupt LIPC protein function with a negative predictive value of 80%. In summary, the available evidence is currently insufficient to determine the role of this variant in disease. Therefore, it has been classified as a Variant of Uncertain Significance.

Literature cited by the submitters: PubMed 36325899.

NM_000236.3(LIPC):c.165T>G (p.Phe55Leu)

Gene: LIPC (lipase C, hepatic type; plus strand). Cytogenetic location: 15q21.3.
Variant type: single nucleotide variant.
Coding change: c.165T>G on transcript NM_000236.3 (MANE Select); coding-DNA position 165, T replaced by G.
Protein change: p.Phe55Leu; replaces phenylalanine 55 with leucine.
Molecular consequence: missense variant.
Genome position (GRCh38, 1-based): chr15:58,538,409, T>G. VCF-style: chr15-58538409-T-G. GRCh37 (hg19) VCF-style: chr15-58830608-T-G.
Other names: short protein forms F55L.
Identifiers: ClinVar variation 2895864 (VCV002895864.3), dbSNP rs568178076, ClinGen allele CA7584736.